The following is an entry in ClinVar:

NM_001783.4(CD79A):c.164C>T (p.Pro55Leu)

Genes: CD79A (CD79a molecule; plus strand), RPS19-CD79A (RPS19-CD79A readthrough; plus strand). Cytogenetic location: 19q13.2.
Variant type: single nucleotide variant.
Coding change: c.164C>T on transcript NM_001783.4 (MANE Select); coding-DNA position 164, C replaced by T.
Protein change: p.Pro55Leu; replaces proline 55 with leucine.
Molecular consequence: missense variant.
Genome position (GRCh38, 1-based): chr19:41,879,074, C>T. VCF-style: chr19-41879074-C-T. GRCh37 (hg19) VCF-style: chr19-42383144-C-T.
Other names: c.164C>T, p.Pro55Leu (NM_021601.4); c.164C>T (NM_001783.3); short protein forms P55L.
Identifiers: ClinVar variation 1387579 (VCV001387579.5), dbSNP rs764758292, ClinGen allele CA9465527.

ClinVar aggregate classification (germline): Conflicting classifications of pathogenicity. Review status: criteria provided, conflicting classifications (1 of 4 stars). 2 submissions from 2 submitters: Uncertain significance (1); Likely benign (1). Last evaluated 2024-01-03.

Conditions:
Agammaglobulinemia 3, autosomal recessive (AGM3). Also called: AGAMMAGLOBULINEMIA 3; AGAMMAGLOBULINEMIA, AUTOSOMAL RECESSIVE, DUE TO CD79A DEFECT. Identifiers: MedGen C3150751, MONDO:0013288, OMIM 613501.

Allele frequency attached by ClinVar (database versions not stated): gnomAD 0.00003 and 0.00004; TOPMed 0.00003; gnomAD exomes 0.00006 and 0.00001; ExAC 0.00001.
gnomAD v4.1: 92 of 1,613,882 alleles (0.0057%); highest among the groups gnomAD compares: Non-Finnish European, 0.0076%; no homozygotes.

Submissions (2):

Labcorp Genetics (formerly Invitae), Labcorp
Classification: Uncertain significance for Agammaglobulinemia 3, autosomal recessive. Last evaluated: 2024-01-03. Review status: criteria provided, single submitter. Criteria: Invitae Variant Classification Sherloc (09022015). Collection method: clinical testing. Allele origin: germline.
Comment: This sequence change replaces proline, which is neutral and non-polar, with leucine, which is neutral and non-polar, at codon 55 of the CD79A protein (p.Pro55Leu). This variant is present in population databases (rs764758292, gnomAD 0.002%). This variant has not been reported in the literature in individuals affected with CD79A-related conditions. ClinVar contains an entry for this variant (Variation ID: 1387579). Algorithms developed to predict the effect of missense changes on protein structure and function output the following: SIFT: "Not Available"; PolyPhen-2: "Benign"; Align-GVGD: "Not Available". The leucine amino acid residue is found in multiple mammalian species, which suggests that this missense change does not adversely affect protein function. In summary, the available evidence is currently insufficient to determine the role of this variant in disease. Therefore, it has been classified as a Variant of Uncertain Significance.

Ambry Genetics
Classification: Likely benign. Last evaluated: 2022-11-07. Review status: criteria provided, single submitter. Criteria: Ambry Variant Classification Scheme 2023. Collection method: clinical testing. Allele origin: germline.